The following is an entry in ClinVar:

ClinVar aggregate classification (germline): Likely benign (0 of 4 stars; one submission).

Conditions:
POMT1-related disorder. Also called: POMT1-related condition; POMT1-related disorders.

gnomAD v4.1: 1 of 1,614,006 alleles (0.000062%); highest among the groups gnomAD compares: Admixed American, 0.0017%; no homozygotes.

Submission:

PreventionGenetics, part of Exact Sciences
Classification: Likely benign for POMT1-related condition. Last evaluated: 2024-06-06. Review status: no assertion criteria provided. Collection method: clinical testing. Allele origin: germline.
Comment: This variant is classified as likely benign based on ACMG/AMP sequence variant interpretation guidelines (Richards et al. 2015 PMID: 25741868, with internal and published modifications).

NM_001077365.2(POMT1):c.1405C>T (p.Leu469=)

Gene: POMT1 (protein O-mannosyltransferase 1; plus strand). Cytogenetic location: 9q34.13.
Variant type: single nucleotide variant.
Coding change: c.1405C>T on transcript NM_001077365.2 (MANE Select); coding-DNA position 1405, C replaced by T.
Protein change: p.Leu469=; no amino-acid change (leucine 469 retained).
Molecular consequence: synonymous variant. On other transcripts: non-coding transcript variant (10), intron variant (1).
Genome position (GRCh38, 1-based): chr9:131,518,876, C>T. VCF-style: chr9-131518876-C-T. GRCh37 (hg19) VCF-style: chr9-134394263-C-T.
Other names: c.1243C>T, p.Leu415= (NM_001077366.2, NM_001353194.2); c.1405C>T, p.Leu469= (NM_001136113.2); c.1054C>T, p.Leu352= (NM_001136114.2, NM_001353195.2, NM_001374691.1 and 2 more transcripts); c.1471C>T, p.Leu491= (NM_001353193.2, NM_007171.4); c.1315C>T, p.Leu439= (NM_001353196.2); c.1309C>T, p.Leu437= (NM_001353197.2, NM_001353198.2); c.1120C>T, p.Leu374= (NM_001353199.2); c.949C>T, p.Leu317= (NM_001353200.2); and 4 more.
Identifiers: ClinVar variation 3358182 (VCV003358182.1).